The following is an entry in ClinVar:

NM_001365536.1(SCN9A):c.4144T>C (p.Trp1382Arg)

Genes: SCN9A (sodium voltage-gated channel alpha subunit 9; minus strand), SCN1A-AS1 (SCN1A and SCN9A antisense RNA 1; plus strand). Cytogenetic location: 2q24.3.
Variant type: single nucleotide variant.
Coding change: c.4144T>C on transcript NM_001365536.1 (MANE Select); coding-DNA position 4144, T replaced by C.
Protein change: p.Trp1382Arg; replaces tryptophan 1382 with arginine.
Molecular consequence: missense variant.
Genome position (GRCh38, 1-based): chr2:166,228,753, A>G on the plus strand (T>C on the coding strand, the complement: SCN9A is on the minus strand). VCF-style: chr2-166228753-A-G. GRCh37 (hg19) VCF-style: chr2-167085263-A-G.
Other names: c.4111T>C, p.Trp1371Arg (NM_002977.4); short protein forms W1382R, W1371R.
Identifiers: ClinVar variation 2932498 (VCV002932498.3), dbSNP rs768389634, ClinGen allele CA349063440.

ClinVar aggregate classification (germline): Uncertain significance (1 of 4 stars; one submission).

Conditions:
Neuropathy, hereditary sensory and autonomic, type 2A (HSAN2A). Also called: ACROOSTEOLYSIS, GIACCAI TYPE; ACROOSTEOLYSIS, NEUROGENIC; WNK1-Related HSAN2 (HSAN2A); MORVAN DISEASE; NEUROPATHY, CONGENITAL SENSORY; NEUROPATHY, HEREDITARY SENSORY RADICULAR, AUTOSOMAL RECESSIVE. Identifiers: Orphanet 970, MedGen C2752089, MONDO:0024309, OMIM 201300.
Generalized epilepsy with febrile seizures plus, type 7 (GEFSP7). Also called: GEFS+, TYPE 7. Identifiers: Orphanet 36387, MedGen C2751778, MONDO:0013470, OMIM 613863.

gnomAD v4.1: 1 of 1,613,984 alleles (0.000062%); highest among the groups gnomAD compares: Non-Finnish European, 0.000085%; no homozygotes.

Submission:

Labcorp Genetics (formerly Invitae), Labcorp
Classification: Uncertain significance for Neuropathy, hereditary sensory and autonomic, type 2A; Generalized epilepsy with febrile seizures plus, type 7. Last evaluated: 2024-03-03. Review status: criteria provided, single submitter. Criteria: Invitae Variant Classification Sherloc (09022015). Collection method: clinical testing. Allele origin: germline.
Comment: This sequence change replaces tryptophan, which is neutral and slightly polar, with arginine, which is basic and polar, at codon 1371 of the SCN9A protein (p.Trp1371Arg). This variant is not present in population databases (gnomAD no frequency). This variant has not been reported in the literature in individuals affected with SCN9A-related conditions. Advanced modeling of protein sequence and biophysical properties (such as structural, functional, and spatial information, amino acid conservation, physicochemical variation, residue mobility, and thermodynamic stability) has been performed at Invitae for this missense variant, however the output from this modeling did not meet the statistical confidence thresholds required to predict the impact of this variant on SCN9A protein function. In summary, the available evidence is currently insufficient to determine the role of this variant in disease. Therefore, it has been classified as a Variant of Uncertain Significance.